The following is an entry in ClinVar:

NM_000891.3(KCNJ2):c.466A>G (p.Ile156Val)

Gene: KCNJ2 (potassium inwardly rectifying channel subfamily J member 2; plus strand). Cytogenetic location: 17q24.3.
Variant type: single nucleotide variant.
Coding change: c.466A>G on transcript NM_000891.3 (MANE Select); coding-DNA position 466, A replaced by G.
Protein change: p.Ile156Val; replaces isoleucine 156 with valine.
Molecular consequence: missense variant.
Genome position (GRCh38, 1-based): chr17:70,175,505, A>G. VCF-style: chr17-70175505-A-G. GRCh37 (hg19) VCF-style: chr17-68171646-A-G.
Other names: c.466A>G (NM_000891.2); short protein forms I156V.
Identifiers: ClinVar variation 1510659 (VCV001510659.8), dbSNP rs767934529, ClinGen allele CA8738733.

ClinVar aggregate classification (germline): Uncertain significance. Review status: criteria provided, multiple submitters, no conflicts (2 of 4 stars). 2 submissions from 2 submitters: Uncertain significance (2). Last evaluated 2025-08-28.

Conditions:
Andersen Tawil syndrome (LQT7). Also called: Potassium-sensitive periodic paralysis, ventricular ectopy, and dysmorphic features; Andersen Syndrome; LONG QT SYNDROME 7; PERIODIC PARALYSIS, POTASSIUM-SENSITIVE CARDIODYSRHYTHMIC TYPE; ANDERSEN CARDIODYSRHYTHMIC PERIODIC PARALYSIS. Identifiers: Orphanet 37553, MedGen C1563715, MONDO:0008222, OMIM 170390.
Short QT syndrome type 3. Identifiers: Orphanet 51083, MedGen C1865018, MONDO:0012314, OMIM 609622.
Cardiovascular phenotype. Identifiers: MedGen CN230736.

Allele frequency attached by ClinVar (database versions not stated): gnomAD exomes below 0.00001 and 0.00001; TOPMed below 0.00001; ExAC 0.00001; gnomAD 0.00001.

Submissions (2):

Ambry Genetics
Classification: Uncertain significance for Cardiovascular phenotype. Last evaluated: 2025-08-28. Review status: criteria provided, single submitter. Criteria: Ambry Variant Classification Scheme 2023. Collection method: clinical testing. Allele origin: germline.
Comment: The p.I156V variant (also known as c.466A>G), located in coding exon 1 of the KCNJ2 gene, results from an A to G substitution at nucleotide position 466. The isoleucine at codon 156 is replaced by valine, an amino acid with highly similar properties. This amino acid position is not well conserved in available vertebrate species. In addition, this alteration is predicted to be tolerated by in silico analysis. Since supporting evidence is limited at this time, the clinical significance of this alteration remains unclear.

Labcorp Genetics (formerly Invitae), Labcorp
Classification: Uncertain significance for Short QT syndrome type 3; Andersen Tawil syndrome. Last evaluated: 2025-07-02. Review status: criteria provided, single submitter. Criteria: Invitae Variant Classification Sherloc (09022015). Collection method: clinical testing. Allele origin: germline.
Comment: This sequence change replaces isoleucine, which is neutral and non-polar, with valine, which is neutral and non-polar, at codon 156 of the KCNJ2 protein (p.Ile156Val). This variant is present in population databases (rs767934529, gnomAD 0.007%). This variant has not been reported in the literature in individuals affected with KCNJ2-related conditions. ClinVar contains an entry for this variant (Variation ID: 1510659). Invitae Evidence Modeling of protein sequence and biophysical properties (such as structural, functional, and spatial information, amino acid conservation, physicochemical variation, residue mobility, and thermodynamic stability) indicates that this missense variant is not expected to disrupt KCNJ2 protein function with a negative predictive value of 95%. In summary, the available evidence is currently insufficient to determine the role of this variant in disease. Therefore, it has been classified as a Variant of Uncertain Significance.